The following is an entry in ClinVar:

NM_001844.5(COL2A1):c.2033del (p.Gly678fs)

Gene: COL2A1 (collagen type II alpha 1 chain; minus strand). Cytogenetic location: 12q13.11.
Variant type: Deletion.
Coding change: c.2033del on transcript NM_001844.5 (MANE Select); coding-DNA position 2033, one base deleted (G; older notation c.2033delG).
Protein change: p.Gly678fs; shifts the reading frame from glycine 678.
Molecular consequence: frameshift variant.
Genome position (GRCh38, 1-based): chr12:47,983,401, C deleted on the plus strand (G on the coding strand, the reverse complement: COL2A1 is on the minus strand); the first of 2 consecutive C bases (chr12:47,983,401-47,983,402); deleting either gives the same sequence. VCF-style (leftmost placement, unchanged base first): chr12-47983400-TC-T. GRCh37 (hg19) VCF-style: chr12-48377183-TC-T.
Other names: c.1826del, p.Gly609fs (NM_033150.3); short protein forms G609fs, G678fs.
Identifiers: ClinVar variation 2040037 (VCV002040037.4), dbSNP rs2540138276, ClinGen allele CA2580085599.

ClinVar aggregate classification (germline): Pathogenic (1 of 4 stars; one submission).

Submission:

Labcorp Genetics (formerly Invitae), Labcorp
Classification: Pathogenic. Last evaluated: 2021-12-11. Review status: criteria provided, single submitter. Criteria: Invitae Variant Classification Sherloc (09022015). Collection method: clinical testing. Allele origin: germline.
Comment: Algorithms developed to predict the effect of sequence changes on RNA splicing suggest that this variant may create or strengthen a splice site. This sequence change creates a premature translational stop signal (p.Gly678Glufs*110) in the COL2A1 gene. It is expected to result in an absent or disrupted protein product. Loss-of-function variants in COL2A1 are known to be pathogenic (PMID: 20179744). This variant is not present in population databases (gnomAD no frequency). This variant has not been reported in the literature in individuals affected with COL2A1-related conditions. For these reasons, this variant has been classified as Pathogenic.

Literature cited by the submitters: PubMed 20179744.